The following is an entry in ClinVar:

ClinVar aggregate classification (germline): Uncertain significance. Review status: criteria provided, multiple submitters, no conflicts (2 of 4 stars). 2 submissions from 2 submitters: Uncertain significance (2). Last evaluated 2023-11-14.

Conditions:
POLD1-related polyposis and colorectal cancer syndrome (CRCS10). Also called: Colorectal cancer 10; COLORECTAL CANCER, SUSCEPTIBILITY TO, ON CHROMOSOME 19q; Colorectal cancer, susceptibility to, 10. Identifiers: Orphanet 220460, MedGen C2675481, MONDO:0012953, OMIM 612591.

Submissions (2):

Baylor Genetics
Classification: Uncertain significance for POLD1-related polyposis and colorectal cancer syndrome. Last evaluated: 2023-11-14. Review status: criteria provided, single submitter. Criteria: ACMG Guidelines, 2015. Collection method: clinical testing. Allele origin: unknown.

Labcorp Genetics (formerly Invitae), Labcorp
Classification: Uncertain significance for POLD1-related polyposis and colorectal cancer syndrome. Last evaluated: 2023-05-24. Review status: criteria provided, single submitter. Criteria: Invitae Variant Classification Sherloc (09022015). Collection method: clinical testing. Allele origin: germline.
Comment: This sequence change replaces proline, which is neutral and non-polar, with arginine, which is basic and polar, at codon 419 of the POLD1 protein (p.Pro419Arg). This variant is not present in population databases (gnomAD no frequency). This variant has not been reported in the literature in individuals affected with POLD1-related conditions. Advanced modeling of protein sequence and biophysical properties (such as structural, functional, and spatial information, amino acid conservation, physicochemical variation, residue mobility, and thermodynamic stability) performed at Invitae indicates that this missense variant is not expected to disrupt POLD1 protein function. In summary, the available evidence is currently insufficient to determine the role of this variant in disease. Therefore, it has been classified as a Variant of Uncertain Significance.

NM_002691.4(POLD1):c.1256C>G (p.Pro419Arg)

Gene: POLD1 (DNA polymerase delta 1, catalytic subunit; plus strand). Cytogenetic location: 19q13.33.
Variant type: single nucleotide variant.
Coding change: c.1256C>G on transcript NM_002691.4 (MANE Select); coding-DNA position 1256, C replaced by G.
Protein change: p.Pro419Arg; replaces proline 419 with arginine.
Molecular consequence: missense variant. On other transcripts: non-coding transcript variant (1).
Genome position (GRCh38, 1-based): chr19:50,406,195, C>G. VCF-style: chr19-50406195-C-G. GRCh37 (hg19) VCF-style: chr19-50909452-C-G.
Other names: c.1256C>G, p.Pro419Arg (NM_001256849.1, NM_001308632.1); short protein forms P419R.
Identifiers: ClinVar variation 2893044 (VCV002893044.4), dbSNP rs2513990908, ClinGen allele CA406979735.